The following is an entry in ClinVar:

NM_017433.5(MYO3A):c.2844T>C (p.Phe948=)

Gene: MYO3A (myosin IIIA; plus strand). Cytogenetic location: 10p12.1.
Variant type: single nucleotide variant.
Coding change: c.2844T>C on transcript NM_017433.5 (MANE Select); coding-DNA position 2844, T replaced by C.
Protein change: p.Phe948=; no amino-acid change (phenylalanine 948 retained).
Molecular consequence: synonymous variant.
Genome position (GRCh38, 1-based): chr10:26,157,360, T>C. VCF-style: chr10-26157360-T-C. GRCh37 (hg19) VCF-style: chr10-26446289-T-C.
Identifiers: ClinVar variation 2032934 (VCV002032934.4), dbSNP rs2493808925, ClinGen allele CA468479983.

ClinVar aggregate classification (germline): Uncertain significance (1 of 4 stars; one submission).

Submission:

Labcorp Genetics (formerly Invitae), Labcorp
Classification: Uncertain significance. Last evaluated: 2022-11-22. Review status: criteria provided, single submitter. Criteria: Invitae Variant Classification Sherloc (09022015). Collection method: clinical testing. Allele origin: germline.
Comment: In summary, the available evidence is currently insufficient to determine the role of this variant in disease. Therefore, it has been classified as a Variant of Uncertain Significance. Algorithms developed to predict the effect of sequence changes on RNA splicing suggest that this variant may disrupt the consensus splice site. This variant has not been reported in the literature in individuals affected with MYO3A-related conditions. This variant is not present in population databases (gnomAD no frequency). This sequence change affects codon 948 of the MYO3A mRNA. It is a 'silent' change, meaning that it does not change the encoded amino acid sequence of the MYO3A protein.